The following is an entry in ClinVar:

ClinVar aggregate classification (germline): Likely benign. Review status: criteria provided, multiple submitters, no conflicts (2 of 4 stars). 2 submissions from 2 submitters: Likely benign (2). Last evaluated 2023-01-01.

Allele frequency attached by ClinVar (database versions not stated): ESP Exome Variant Server 0.00023; ExAC 0.00030.

Submissions (2):

CeGaT Center for Human Genetics Tuebingen
Classification: Likely benign. Last evaluated: 2023-01-01. Review status: criteria provided, single submitter. Criteria: CeGaT Center For Human Genetics Tuebingen Variant Classification Criteria Version 2. Collection method: clinical testing. Allele origin: germline. Affected: yes. Observed: 1 variant allele.
Comment: UPK3B: BP4, BP7

Ambry Genetics
Classification: Likely benign. Last evaluated: 2021-11-15. Review status: criteria provided, single submitter. Criteria: Ambry Variant Classification Scheme 2023. Collection method: clinical testing. Allele origin: germline.

NM_001347684.2(UPK3B):c.660T>C (p.Ser220=)

Gene: UPK3B (uroplakin 3B; plus strand). Cytogenetic location: 7q11.23.
Variant type: single nucleotide variant.
Coding change: c.660T>C on transcript NM_001347684.2 (MANE Select); coding-DNA position 660, T replaced by C.
Protein change: p.Ser220=; no amino-acid change (serine 220 retained).
Molecular consequence: synonymous variant.
Genome position (GRCh38, 1-based): chr7:76,514,065, T>C. VCF-style: chr7-76514065-T-C. GRCh37 (hg19) VCF-style: chr7-76143382-T-C.
Identifiers: ClinVar variation 2212086 (VCV002212086.25), dbSNP rs141154955, ClinGen allele CA4308663.
Genomic context (GRCh38, chr7:76,514,065, plus strand): 5'-CATTACCTCCATCCTCTCTTCTCTGGCCGGCCTCCTACTCTTGGCCTTCTTGGCAGCCTC[T>C]ACCATGCGCTTGTGAGTGGGGACACCCCCTCGGGCCCCTCTCCCACCCAGAACCCCTCTG-3'
Protein context (NP_001334613.1, residues 210-230): GLLLLAFLAA[Ser220=]TMRFSSLWWP